The following is an entry in ClinVar:

NM_000834.5(GRIN2B):c.228C>T (p.Thr76=)

Gene: GRIN2B (glutamate ionotropic receptor NMDA type subunit 2B; minus strand). Cytogenetic location: 12p13.1.
Variant type: single nucleotide variant.
Coding change: c.228C>T on transcript NM_000834.5 (MANE Select); coding-DNA position 228, C replaced by T.
Protein change: p.Thr76=; no amino-acid change (threonine 76 retained).
Molecular consequence: synonymous variant.
Genome position (GRCh38, 1-based): chr12:13,865,981, G>A on the plus strand (C>T on the coding strand, the complement: GRIN2B is on the minus strand). VCF-style: chr12-13865981-G-A. GRCh37 (hg19) VCF-style: chr12-14018915-G-A.
Other names: p.T76T:ACC>ACT.
Identifiers: ClinVar variation 137515 (VCV000137515.42), dbSNP rs77299791, ClinGen allele CA291127.

ClinVar aggregate classification (germline): Benign/Likely benign. Review status: criteria provided, multiple submitters, no conflicts (2 of 4 stars). 8 submissions from 8 submitters: Benign (3); Likely benign (4). 1 of the submissions does not count toward it. Last evaluated 2026-09-01.

Conditions:
Inborn genetic diseases. Identifiers: MedGen C0950123, MeSH D030342.
Intellectual developmental disorder, autosomal dominant 6, with or without seizures. Also called: Intellectual disability, autosomal dominant 6; GRIN2B-related developmental delay, intellectual disability and autism spectrum disorder. Identifiers: Orphanet 589547, MedGen C3151411, MONDO:0013509, OMIM 613970.
Developmental and epileptic encephalopathy, 27 (DEE27). Also called: Epileptic encephalopathy, early infantile, 27; GRIN2B-Related Neurodevelopmental Disorder. Identifiers: Orphanet 3451, MedGen C4015316, MONDO:0014505, OMIM 616139.

Allele frequency attached by ClinVar (database versions not stated): 1000 Genomes Project 30x 0.00047; 1000 Genomes Project 0.00060; gnomAD 0.00070; TOPMed 0.00091; ESP Exome Variant Server 0.00115.
gnomAD v4.1: 1,759 of 1,613,928 alleles (0.11%); highest among the groups gnomAD compares: Non-Finnish European, 0.14%; 1 homozygote.

Submissions (8):

CeGaT Center for Human Genetics Tuebingen
Classification: Likely benign. Last evaluated: 2026-09-01. Review status: criteria provided, single submitter. Criteria: CeGaT Center For Human Genetics Tuebingen Variant Classification Criteria Version 2. Collection method: clinical testing. Allele origin: germline. Affected: yes. Observed: 21 variant alleles.
Comment: GRIN2B: BP4, BP7

Labcorp Genetics (formerly Invitae), Labcorp
Classification: Benign for Developmental and epileptic encephalopathy, 27; Intellectual developmental disorder, autosomal dominant 6, with or without seizures. Last evaluated: 2026-01-31. Review status: criteria provided, single submitter. Criteria: Invitae Variant Classification Sherloc (09022015). Collection method: clinical testing. Allele origin: germline.

Blueprint Genetics
Classification: Likely benign. Last evaluated: 2024-11-21. Review status: criteria provided, single submitter. Criteria: ACMG Guidelines, 2015. Collection method: clinical testing. Allele origin: germline.

Athena Diagnostics
Classification: Benign. Last evaluated: 2018-11-07. Review status: criteria provided, single submitter. Criteria: Athena Diagnostics Criteria. Collection method: clinical testing. Allele origin: germline.

Clinical Genetics DNA and cytogenetics Diagnostics Lab, Erasmus MC, Erasmus Medical Center
Classification: Likely benign for Intellectual developmental disorder, autosomal dominant 6, with or without seizures. Last evaluated: 2017-06-28. Review status: criteria provided, single submitter. Criteria: ACGS Guidelines, 2013. Collection method: clinical testing. Allele origin: germline. Affected: yes. Study: VKGL Data-share Consensus.

Ambry Genetics
Classification: Likely benign for Inborn genetic diseases. Last evaluated: 2017-02-20. Review status: criteria provided, single submitter. Criteria: Ambry Variant Classification Scheme 2023. Collection method: clinical testing. Allele origin: germline.

GeneDx
Classification: Benign. Last evaluated: 2014-02-28. Review status: criteria provided, single submitter. Criteria: GeneDx Variant Classification (06012015). Collection method: clinical testing. Allele origin: germline. Affected: yes.
Comment: This variant is considered likely benign or benign based on one or more of the following criteria: it is a conservative change, it occurs at a poorly conserved position in the protein, it is predicted to be benign by multiple in silico algorithms, and/or has population frequency not consistent with disease.

Diagnostic Laboratory, Department of Genetics, University Medical Center Groningen
Classification: Likely benign for Intellectual developmental disorder, autosomal dominant 6, with or without seizures. Review status: no assertion criteria provided. Collection method: clinical testing. Allele origin: germline. Affected: yes. Study: VKGL Data-share Consensus. Not counted in ClinVar's aggregate classification.